The following is an entry in ClinVar:

ClinVar aggregate classification (germline): Pathogenic (1 of 4 stars; one submission).

Submission:

Labcorp Genetics (formerly Invitae), Labcorp
Classification: Pathogenic. Last evaluated: 2021-10-21. Review status: criteria provided, single submitter. Criteria: Invitae Variant Classification Sherloc (09022015). Collection method: clinical testing. Allele origin: germline.
Comment: For these reasons, this variant has been classified as Pathogenic. This variant has not been reported in the literature in individuals with CNGB3-related conditions. This variant is not present in population databases (ExAC no frequency). This sequence change creates a premature translational stop signal (p.Lys526*) in the CNGB3 gene. It is expected to result in an absent or disrupted protein product. Loss-of-function variants in CNGB3 are known to be pathogenic (PMID: 28795510).

Literature cited by the submitters: PubMed 28795510.

NM_019098.5(CNGB3):c.1576A>T (p.Lys526Ter)

Gene: CNGB3 (cyclic nucleotide gated channel subunit beta 3; minus strand). Cytogenetic location: 8q21.3.
Variant type: single nucleotide variant.
Coding change: c.1576A>T on transcript NM_019098.5 (MANE Select); coding-DNA position 1576, A replaced by T.
Protein change: p.Lys526Ter; replaces lysine 526 with a stop codon.
Molecular consequence: nonsense.
Genome position (GRCh38, 1-based): chr8:86,625,985, T>A on the plus strand (A>T on the coding strand, the complement: CNGB3 is on the minus strand). VCF-style: chr8-86625985-T-A. GRCh37 (hg19) VCF-style: chr8-87638213-T-A.
Other names: short protein forms K526*.
Identifiers: ClinVar variation 1440503 (VCV001440503.6), dbSNP rs2131580291, ClinGen allele CA371441986.